The following is an entry in ClinVar:

NM_000179.3(MSH6):c.1987A>C (p.Thr663Pro)

Gene: MSH6 (mutS homolog 6; plus strand). Cytogenetic location: 2p16.3.
Variant type: single nucleotide variant.
Coding change: c.1987A>C on transcript NM_000179.3 (MANE Select); coding-DNA position 1987, A replaced by C.
Protein change: p.Thr663Pro; replaces threonine 663 with proline.
Molecular consequence: missense variant.
Genome position (GRCh38, 1-based): chr2:47,799,970, A>C. VCF-style: chr2-47799970-A-C. GRCh37 (hg19) VCF-style: chr2-48027109-A-C.
Other names: c.1597A>C, p.Thr533Pro (NM_001281492.2); c.1081A>C, p.Thr361Pro (NM_001281493.2, NM_001281494.2, NM_001406811.1 and 6 more transcripts); c.2083A>C, p.Thr695Pro (NM_001406795.1, NM_001406802.1); c.1987A>C, p.Thr663Pro (NM_001406796.1, NM_001406798.1, NM_001406800.1 and 3 more transcripts); c.1690A>C, p.Thr564Pro (NM_001406797.1, NM_001406801.1, NM_001406805.1 and 10 more transcripts); c.1462A>C, p.Thr488Pro (NM_001406799.1, NM_001406806.1, NM_001406807.1); c.1909A>C, p.Thr637Pro (NM_001406804.1); c.1993A>C, p.Thr665Pro (NM_001406813.1); and 1 more; short protein forms T361P, T488P, T607P, T637P, T665P, T533P, T564P, T663P.
Identifiers: ClinVar variation 1783881 (VCV001783881.3), dbSNP rs2104380670, ClinGen allele CA346750639.
Genomic context (GRCh38, chr2:47,799,970, plus strand): 5'-TTTAGGGAAAAGCTAAGTGATGGCATTGGGGTGATGTTACCCCAGGTGCTTAAAGGTATG[A>C]CTTCAGAGTCTGATTCCATTGGGTTGACACCAGGAGAGAAAAGTGAATTGGCCCTCTCTG-3'
Protein context (NP_000170.1, residues 653-673): VMLPQVLKGM[Thr663Pro]SESDSIGLTP

ClinVar aggregate classification (germline): Uncertain significance (1 of 4 stars; one submission).

Conditions:
Hereditary cancer-predisposing syndrome. Also called: Neoplastic Syndromes, Hereditary; Tumor predisposition; Hereditary Cancer Syndrome; Hereditary neoplastic syndrome. Identifiers: Orphanet 140162, MedGen C0027672, MeSH D009386, MONDO:0015356.

Submission:

Ambry Genetics
Classification: Uncertain significance for Hereditary cancer-predisposing syndrome. Last evaluated: 2024-06-13. Review status: criteria provided, single submitter. Criteria: Ambry Variant Classification Scheme 2023. Collection method: clinical testing. Allele origin: germline.
Comment: The p.T663P variant (also known as c.1987A>C), located in coding exon 4 of the MSH6 gene, results from an A to C substitution at nucleotide position 1987. The threonine at codon 663 is replaced by proline, an amino acid with highly similar properties. This amino acid position is highly conserved in available vertebrate species. In addition, this alteration is predicted to be deleterious by in silico analysis. Since supporting evidence is limited at this time, the clinical significance of this alteration remains unclear.